The following is an entry in ClinVar:

NM_002449.5(MSX2):c.214G>A (p.Ala72Thr)

Gene: MSX2 (msh homeobox 2; plus strand). Cytogenetic location: 5q35.2.
Variant type: single nucleotide variant.
Coding change: c.214G>A on transcript NM_002449.5 (MANE Select); coding-DNA position 214, G replaced by A.
Protein change: p.Ala72Thr; replaces alanine 72 with threonine.
Molecular consequence: missense variant.
Genome position (GRCh38, 1-based): chr5:174,724,873, G>A. VCF-style: chr5-174724873-G-A. GRCh37 (hg19) VCF-style: chr5-174151876-G-A.
Other names: c.214G>A, p.Ala72Thr (NM_001363626.2); short protein forms A72T.
Identifiers: ClinVar variation 2582188 (VCV002582188.1), dbSNP rs1007791560, ClinGen allele CA132700920.

ClinVar aggregate classification (germline): Uncertain significance (1 of 4 stars; one submission).

Allele frequency attached by ClinVar (database versions not stated): gnomAD exomes below 0.00001; TOPMed below 0.00001.
gnomAD v4.1: 2 of 1,556,758 alleles (0.00013%); highest among the groups gnomAD compares: Admixed American, 0.002%; no homozygotes.

Submission:

GeneDx
Classification: Uncertain significance. Last evaluated: 2023-03-31. Review status: criteria provided, single submitter. Criteria: GeneDx Variant Classification Process June 2021. Collection method: clinical testing. Allele origin: germline. Affected: yes.
Comment: Not observed at significant frequency in large population cohorts (gnomAD); In silico analysis supports that this missense variant has a deleterious effect on protein structure/function; Has not been previously published as pathogenic or benign to our knowledge